The following is an entry in ClinVar:

ClinVar aggregate classification (germline): Uncertain significance (1 of 4 stars; one submission).

Conditions:
Vici syndrome (VICIS). Identifiers: Orphanet 1493, MedGen C1855772, MONDO:0009452, OMIM 242840.

gnomAD v4.1: 1 of 1,614,112 alleles (0.000062%); highest among the groups gnomAD compares: Non-Finnish European, 0.000085%; no homozygotes.

Submission:

Labcorp Genetics (formerly Invitae), Labcorp
Classification: Uncertain significance for Vici syndrome. Last evaluated: 2025-10-03. Review status: criteria provided, single submitter. Criteria: Invitae Variant Classification Sherloc (09022015). Collection method: clinical testing. Allele origin: germline.
Comment: This sequence change replaces arginine, which is basic and polar, with cysteine, which is neutral and slightly polar, at codon 1355 of the EPG5 protein (p.Arg1355Cys). This variant is not present in population databases (gnomAD no frequency). This variant has not been reported in the literature in individuals affected with EPG5-related conditions. ClinVar contains an entry for this variant (Variation ID: 3706671). Invitae Evidence Modeling of protein sequence and biophysical properties (such as structural, functional, and spatial information, amino acid conservation, physicochemical variation, residue mobility, and thermodynamic stability) has been performed for this missense variant. However, the output from this modeling did not meet the statistical confidence thresholds required to predict the impact of this variant on EPG5 protein function. In summary, the available evidence is currently insufficient to determine the role of this variant in disease. Therefore, it has been classified as a Variant of Uncertain Significance.

NM_020964.3(EPG5):c.4063C>T (p.Arg1355Cys)

Gene: EPG5 (ectopic P-granules 5 autophagy tethering factor; minus strand). Cytogenetic location: 18q21.1.
Variant type: single nucleotide variant.
Coding change: c.4063C>T on transcript NM_020964.3 (MANE Select); coding-DNA position 4063, C replaced by T.
Protein change: p.Arg1355Cys; replaces arginine 1355 with cysteine.
Molecular consequence: missense variant.
Genome position (GRCh38, 1-based): chr18:45,910,663, G>A on the plus strand (C>T on the coding strand, the complement: EPG5 is on the minus strand). VCF-style: chr18-45910663-G-A. GRCh37 (hg19) VCF-style: chr18-43490628-G-A.
Other names: c.4063C>T, p.Arg1355Cys (NM_001410858.1, NM_001410859.1); short protein forms R1355C.
Identifiers: ClinVar variation 3706671 (VCV003706671.2).
Genomic context (GRCh38, chr18:45,910,663, plus strand): 5'-CTGCTGGAACACGGAGGGCCTTGCTTGCAGCATGGTGGAAGTCAGCCACCTCGGTCAAAC[G>A]TCTCTTCATTTCTTTCAACAAATTGATATGAGCAGGACTTTGAAAAAACCTTCTTCCAAT-3'
Protein context (NP_066015.2, residues 1345-1365): HINLLKEMKR[Arg1355Cys]LTEVADFHHA